The following is an entry in ClinVar:

ClinVar aggregate classification (germline): Conflicting classifications of pathogenicity. Review status: criteria provided, conflicting classifications (1 of 4 stars). 4 submissions from 4 submitters: Uncertain significance (2); Likely benign (1). 1 of the submissions does not count toward it. Last evaluated 2026-01-24.

Conditions:
Nemaline myopathy 2 (NEM2). Also called: Nemaline myopathy 2, autosomal recessive. Identifiers: MedGen C1850569, MONDO:0009725, OMIM 256030.

Allele frequency attached by ClinVar (database versions not stated): ExAC 0.00003; gnomAD exomes 0.00003 and 0.00010; gnomAD 0.00004; TOPMed 0.00008.
gnomAD v4.1: 153 of 1,613,714 alleles (0.0095%); highest among the groups gnomAD compares: Non-Finnish European, 0.012%; no homozygotes.

Submissions (4):

Labcorp Genetics (formerly Invitae), Labcorp
Classification: Likely benign for Nemaline myopathy 2. Last evaluated: 2026-01-24. Review status: criteria provided, single submitter. Criteria: Invitae Variant Classification Sherloc (09022015). Collection method: clinical testing. Allele origin: germline.

Women's Health and Genetics/Laboratory Corporation of America, LabCorp
Classification: Uncertain significance. Last evaluated: 2023-08-09. Review status: criteria provided, single submitter. Criteria: LabCorp Variant Classification Summary - May 2015. Collection method: clinical testing. Allele origin: germline.
Comment: Variant summary: NEB c.8864A>G (p.Lys2955Arg) results in a conservative amino acid change in the encoded protein sequence. Two of four in-silico tools predict a benign effect of the variant on protein function. The variant allele was found at a frequency of 3.2e-05 in 248796 control chromosomes. The available data on variant occurrences in the general population are insufficient to allow any conclusion about variant significance. To our knowledge, no occurrence of c.8864A>G in individuals affected with Nemaline Myopathy 2 and no experimental evidence demonstrating its impact on protein function have been reported. Three submitters have cited clinical-significance assessments for this variant to ClinVar after 2014 and classified as VUS (n=2) and likely benign (n=1). Based on the evidence outlined above, the variant was classified as uncertain significance.

Illumina Laboratory Services, Illumina
Classification: Uncertain significance for Nemaline myopathy 2. Last evaluated: 2018-01-13. Review status: criteria provided, single submitter. Criteria: ICSL Variant Classification Criteria 13 December 2019. Collection method: clinical testing. Allele origin: germline.

Natera, Inc.
Classification: Uncertain significance for Nemaline myopathy type 2. Last evaluated: 2020-03-20. Review status: no assertion criteria provided. Collection method: clinical testing. Allele origin: germline. Not counted in ClinVar's aggregate classification.

NM_001164508.2(NEB):c.8864A>G (p.Lys2955Arg)

Gene: NEB (nebulin; minus strand). Cytogenetic location: 2q23.3.
Variant type: single nucleotide variant.
Coding change: c.8864A>G on transcript NM_001164508.2 (MANE Select); coding-DNA position 8864, A replaced by G.
Protein change: p.Lys2955Arg; replaces lysine 2955 with arginine.
Molecular consequence: missense variant. On other transcripts: intron variant (1).
Genome position (GRCh38, 1-based): chr2:151,639,882, T>C on the plus strand (A>G on the coding strand, the complement: NEB is on the minus strand). VCF-style: chr2-151639882-T-C. GRCh37 (hg19) VCF-style: chr2-152496396-T-C.
Other names: c.8864A>G, p.Lys2955Arg (NM_001164507.2, NM_001271208.2); c.8853+11A>G (NM_004543.5); short protein forms K2955R.
Identifiers: ClinVar variation 657501 (VCV000657501.16), dbSNP rs760903716, ClinGen allele CA1909485.